The following is an entry in ClinVar:

ClinVar aggregate classification (germline): Uncertain significance (1 of 4 stars; one submission).

Submission:

Mayo Clinic Laboratories, Mayo Clinic
Classification: Uncertain significance. Last evaluated: 2025-06-03. Review status: criteria provided, single submitter. Criteria: ACMG Guidelines, 2015. Collection method: clinical testing. Allele origin: germline. Observed: 1 variant allele.
Comment: BP4_moderate, PM2_supporting

NM_001355436.2(SPTB):c.6710C>A (p.Ala2237Asp)

Genes: PLEKHG3 (pleckstrin homology and RhoGEF domain containing G3; plus strand), SPTB (spectrin beta, erythrocytic; minus strand). Cytogenetic location: 14q23.3.
Variant type: single nucleotide variant.
Coding change: c.6710C>A on transcript NM_001355436.2 (MANE Select); coding-DNA position 6710, C replaced by A.
Protein change: p.Ala2237Asp; replaces alanine 2237 with aspartic acid.
Molecular consequence: missense variant. On other transcripts: 3 prime UTR variant (1).
Genome position (GRCh38, 1-based): chr14:64,750,047, G>T on the plus strand (C>A on the coding strand, the complement: SPTB is on the minus strand). VCF-style: chr14-64750047-G-T. GRCh37 (hg19) VCF-style: chr14-65216765-G-T.
Other names: p.Ala2237Asp; c.*6344G>T (NM_001308147.2); c.6710C>A, p.Ala2237Asp (NM_001024858.4); short protein forms A2237D.
Identifiers: ClinVar variation 4541836 (VCV004541836.1).
Genomic context (GRCh38, chr14:64,750,047, plus strand): 5'-TTAAAGACGTGCTTCTTCTTCTTGTAGTTGGCAGCAATCTCACAGATGGCATGTCTCAGG[G>T]CCAGGGGTTCCTCCCCATGGTAGGGCATCCCCAGGGCCAGGTTCTTGGCATCCTTGTAGA-3'
Protein context (NP_001342365.1, residues 2227-2247): GMPYHGEEPL[Ala2237Asp]LRHAICEIAA